The following is an entry in ClinVar:

NM_152564.5(VPS13B):c.10441T>C (p.Cys3481Arg)

Gene: VPS13B (vacuolar protein sorting 13 homolog B; plus strand). Cytogenetic location: 8q22.2.
Variant type: single nucleotide variant.
Coding change: c.10441T>C on transcript NM_152564.5 (MANE Select); coding-DNA position 10441, T replaced by C.
Protein change: p.Cys3481Arg; replaces cysteine 3481 with arginine.
Molecular consequence: missense variant.
Genome position (GRCh38, 1-based): chr8:99,853,830, T>C. VCF-style: chr8-99853830-T-C. GRCh37 (hg19) VCF-style: chr8-100866058-T-C.
Other names: c.10516T>C (NM_017890.3); c.10516T>C, p.Cys3506Arg (NM_017890.5); short protein forms C3481R, C3506R.
Identifiers: ClinVar variation 2054955 (VCV002054955.4), dbSNP rs373773690, ClinGen allele CA4824949.

ClinVar aggregate classification (germline): Uncertain significance. Review status: criteria provided, multiple submitters, no conflicts (2 of 4 stars). 3 submissions from 3 submitters: Uncertain significance (3). Last evaluated 2025-12-22.

Conditions:
Cohen syndrome (COH1). Also called: Cutis verticis gyrata, retinitis pigmentosa, and sensorineural deafness; PEPPER SYNDROME. Identifiers: Orphanet 193, MedGen C0265223, MONDO:0008999, OMIM 216550.
VPS13B-related disorder. Also called: VPS13B-related condition.
Inborn genetic diseases. Identifiers: MedGen C0950123, MeSH D030342.

Allele frequency attached by ClinVar (database versions not stated): gnomAD 0.00003; ExAC 0.00005; TOPMed 0.00005; ESP Exome Variant Server 0.00015; 1000 Genomes Project 30x 0.00016; 1000 Genomes Project 0.00020.
gnomAD v4.1: 124 of 1,614,280 alleles (0.0077%); highest among the groups gnomAD compares: Non-Finnish European, 0.0094%; no homozygotes.

Submissions (3):

PreventionGenetics, part of Exact Sciences
Classification: Uncertain significance for VPS13B-related condition. Last evaluated: 2025-12-22. Review status: criteria provided, single submitter. Criteria: ACMG Guidelines, 2015. Collection method: clinical testing. Allele origin: germline.
Comment: The VPS13B c.10441T>C variant is predicted to result in the amino acid substitution p.Cys3481Arg. To our knowledge, this variant has not been reported in the literature. This variant is reported in 0.0098% of alleles in individuals of South Asian descent in gnomAD. At this time, the clinical significance of this variant is uncertain due to the absence of conclusive functional and genetic evidence.

Ambry Genetics
Classification: Uncertain significance for Inborn genetic diseases. Last evaluated: 2024-08-21. Review status: criteria provided, single submitter. Criteria: Ambry Variant Classification Scheme 2023. Collection method: clinical testing. Allele origin: germline.

Labcorp Genetics (formerly Invitae), Labcorp
Classification: Uncertain significance for Cohen syndrome. Last evaluated: 2022-05-21. Review status: criteria provided, single submitter. Criteria: Invitae Variant Classification Sherloc (09022015). Collection method: clinical testing. Allele origin: germline.
Comment: This sequence change replaces cysteine, which is neutral and slightly polar, with arginine, which is basic and polar, at codon 3506 of the VPS13B protein (p.Cys3506Arg). This variant is present in population databases (rs373773690, gnomAD 0.01%). This variant has not been reported in the literature in individuals affected with VPS13B-related conditions. Algorithms developed to predict the effect of missense changes on protein structure and function output the following: SIFT: "Not Available"; PolyPhen-2: "Benign"; Align-GVGD: "Not Available". The arginine amino acid residue is found in multiple mammalian species, which suggests that this missense change does not adversely affect protein function. In summary, the available evidence is currently insufficient to determine the role of this variant in disease. Therefore, it has been classified as a Variant of Uncertain Significance.